The following is an entry in ClinVar:

ClinVar aggregate classification (germline): Conflicting classifications of pathogenicity. Review status: criteria provided, conflicting classifications (1 of 4 stars). 2 submissions from 2 submitters: Pathogenic (1); Likely benign (1). Last evaluated 2025-08-25.

Conditions:
ARID1B-Related Disorder. Identifiers: MedGen CN381337.

gnomAD v4.1: 3 of 1,614,116 alleles (0.00019%); highest among the groups gnomAD compares: Admixed American, 0.005%; no homozygotes.

Submissions (2):

Daryl Scott Lab, Baylor College of Medicine
Classification: Pathogenic for ARID1B-related disorder. Last evaluated: 2025-08-25. Review status: criteria provided, single submitter. Criteria: ACMG Guidelines, 2015. Collection method: clinical testing. Allele origin: de novo. Affected: yes. Observed: 1 heterozygote.
Comment: PVS1, PS2

Labcorp Genetics (formerly Invitae), Labcorp
Classification: Likely benign. Last evaluated: 2025-04-12. Review status: criteria provided, single submitter. Criteria: Invitae Variant Classification Sherloc (09022015). Collection method: clinical testing. Allele origin: germline.

NM_001374828.1(ARID1B):c.5029C>T (p.Pro1677Ser)

Gene: ARID1B (AT-rich interaction domain 1B; plus strand). Cytogenetic location: 6q25.3.
Variant type: single nucleotide variant.
Coding change: c.5029C>T on transcript NM_001374828.1 (MANE Select); coding-DNA position 5029, C replaced by T.
Protein change: p.Pro1677Ser; replaces proline 1677 with serine.
Molecular consequence: missense variant.
Genome position (GRCh38, 1-based): chr6:157,201,254, C>T. VCF-style: chr6-157201254-C-T. GRCh37 (hg19) VCF-style: chr6-157522388-C-T.
Other names: c.2530C>T, p.Pro844Ser (NM_001363725.2); c.4909C>T, p.Pro1637Ser (NM_001371656.1, NM_001374820.1); c.5158C>T, p.Pro1720Ser (NM_001438482.1); c.5071C>T, p.Pro1691Ser (NM_001438483.1); c.4939C>T, p.Pro1647Ser (NM_001438485.1); c.4912C>T, p.Pro1638Ser (NM_001438486.1); c.4849C>T, p.Pro1617Ser (NM_001438487.1); c.2371C>T, p.Pro791Ser (NM_001438488.1); and 1 more; short protein forms P1617S, P1624S, P1637S, P1638S, P1647S, P1677S, P1691S, P1720S.
Identifiers: ClinVar variation 4279652 (VCV004279652.2).